The following is an entry in ClinVar:

NM_000875.5(IGF1R):c.788C>T (p.Ala263Val)

Gene: IGF1R (insulin like growth factor 1 receptor; plus strand). Cytogenetic location: 15q26.3.
Variant type: single nucleotide variant.
Coding change: c.788C>T on transcript NM_000875.5 (MANE Select); coding-DNA position 788, C replaced by T.
Protein change: p.Ala263Val; replaces alanine 263 with valine.
Molecular consequence: missense variant.
Genome position (GRCh38, 1-based): chr15:98,891,472, C>T. VCF-style: chr15-98891472-C-T. GRCh37 (hg19) VCF-style: chr15-99434701-C-T.
Other names: c.788C>T (NM_000875.3); c.788C>T, p.Ala263Val (NM_001291858.2); short protein forms A263V.
Identifiers: ClinVar variation 1049774 (VCV001049774.5), dbSNP rs375677658, ClinGen allele CA7751901.
Genomic context (GRCh38, chr15:98,891,472, plus strand): 5'-ACAACGACACGGCCTGTGTAGCTTGCCGCCACTACTACTATGCCGGTGTCTGTGTGCCTG[C>T]CTGCCCGCCCAACACCTACAGGTTTGAGGGCTGGCGCTGTGTGGACCGTGACTTCTGCGC-3'
Protein context (NP_000866.1, residues 253-273): HYYYAGVCVP[Ala263Val]CPPNTYRFEG

ClinVar aggregate classification (germline): Uncertain significance. Review status: criteria provided, multiple submitters, no conflicts (2 of 4 stars). 4 submissions from 4 submitters: Uncertain significance (3). 1 of the submissions does not count toward it. Last evaluated 2025-10-13.

Conditions:
Inborn genetic diseases. Identifiers: MedGen C0950123, MeSH D030342.

Allele frequency attached by ClinVar (database versions not stated): TOPMed 0.00005; gnomAD 0.00005 and 0.00011; 1000 Genomes Project 30x 0.00016; gnomAD exomes 0.00012 and 0.00007; ExAC 0.00014; 1000 Genomes Project 0.00020.
gnomAD v4.1: 123 of 1,614,144 alleles (0.0076%); highest among the groups gnomAD compares: South Asian, 0.12%; no homozygotes.

Submissions (4):

Labcorp Genetics (formerly Invitae), Labcorp
Classification: Uncertain significance. Last evaluated: 2025-10-13. Review status: criteria provided, single submitter. Criteria: Invitae Variant Classification Sherloc (09022015). Collection method: clinical testing. Allele origin: germline.
Comment: This sequence change replaces alanine, which is neutral and non-polar, with valine, which is neutral and non-polar, at codon 263 of the IGF1R protein (p.Ala263Val). This variant is present in population databases (rs375677658, gnomAD 0.09%). This variant has not been reported in the literature in individuals affected with IGF1R-related conditions. ClinVar contains an entry for this variant (Variation ID: 1049774). Invitae Evidence Modeling of protein sequence and biophysical properties (such as structural, functional, and spatial information, amino acid conservation, physicochemical variation, residue mobility, and thermodynamic stability) indicates that this missense variant is not expected to disrupt IGF1R protein function with a negative predictive value of 80%. In summary, the available evidence is currently insufficient to determine the role of this variant in disease. Therefore, it has been classified as a Variant of Uncertain Significance.

Ambry Genetics
Classification: Uncertain significance for Inborn genetic diseases. Last evaluated: 2025-08-04. Review status: criteria provided, single submitter. Criteria: Ambry Variant Classification Scheme 2023. Collection method: clinical testing. Allele origin: germline.

GeneDx
Classification: Uncertain significance. Last evaluated: 2025-04-07. Review status: criteria provided, single submitter. Criteria: GeneDx Variant Classification Process June 2021. Collection method: clinical testing. Allele origin: germline. Affected: yes.
Comment: In silico analysis indicates that this missense variant does not alter protein structure/function; Has not been previously published as pathogenic or benign to our knowledge

Department of Pathology and Laboratory Medicine, Sinai Health System
Classification: Uncertain significance. Review status: no assertion criteria provided. Collection method: clinical testing. Allele origin: unknown. Affected: yes. Study: The Canadian Open Genetics Repository (COGR). Not counted in ClinVar's aggregate classification.
Comment: The IGF1R p.Ala263Val variant was not identified in the literature nor was it identified in ClinVar. The variant was identified in dbSNP (ID: rs375677658) and in control databases in 31 of 251254 chromosomes at a frequency of 0.0001234 (Genome Aggregation Database March 6, 2019, v2.1.1). The variant was observed in the following populations: South Asian in 27 of 30616 chromosomes (freq: 0.000882), Other in 1 of 6132 chromosomes (freq: 0.000163), African in 2 of 16242 chromosomes (freq: 0.000123) and Ashkenazi Jewish in 1 of 10074 chromosomes (freq: 0.000099), but was not observed in the Latino, East Asian, European (Finnish), or European (non-Finnish) populations. The p.Ala263 residue is not conserved in mammals and four out of five computational analyses (PolyPhen-2, SIFT, AlignGVGD, BLOSUM, MutationTaster) do not suggest a high likelihood of impact to the protein; however, this information is not predictive enough to rule out pathogenicity. The variant occurs outside of the splicing consensus sequence and in silico or computational prediction software programs (SpliceSiteFinder, MaxEntScan, NNSPLICE, GeneSplicer) do not predict a difference in splicing. In summary, based on the above information the clinical significance of this variant cannot be determined with certainty at this time. This variant is classified as a variant of uncertain significance.